The following is an entry in ClinVar:

ClinVar aggregate classification (germline): Conflicting classifications of pathogenicity. Review status: criteria provided, conflicting classifications (1 of 4 stars). 3 submissions from 3 submitters: Uncertain significance (1); Likely benign (1). 1 of the submissions does not count toward it. Last evaluated 2025-12-20.

Conditions:
Cardiovascular phenotype. Identifiers: MedGen CN230736.
CACNA1C-related disorder. Also called: CACNA1C-related disorders; CACNA1C-related condition. Identifiers: MedGen CN381092, MONDO:0700321.
Long QT syndrome (LQTS). Identifiers: MedGen C0023976, MeSH D008133, MONDO:0002442. Disease mechanism: loss of function. Inheritance: Various modes of inheritance.

Allele frequency attached by ClinVar (database versions not stated): TOPMed 0.00003; gnomAD exomes 0.00001; gnomAD 0.00001.
gnomAD v4.1: 15 of 1,566,002 alleles (0.00096%); highest among the groups gnomAD compares: Non-Finnish European, 0.0013%; no homozygotes.

Submissions (3):

Labcorp Genetics (formerly Invitae), Labcorp
Classification: Likely benign for Long QT syndrome. Last evaluated: 2025-12-20. Review status: criteria provided, single submitter. Criteria: Invitae Variant Classification Sherloc (09022015). Collection method: clinical testing. Allele origin: germline.

Ambry Genetics
Classification: Uncertain significance for Cardiovascular phenotype. Last evaluated: 2023-11-21. Review status: criteria provided, single submitter. Criteria: Ambry Variant Classification Scheme 2023. Collection method: clinical testing. Allele origin: germline.
Comment: The c.2220A>G variant (also known as p.G740G), located in coding exon 15 of the CACNA1C gene, results from an A to G substitution at nucleotide position 2220. This nucleotide substitution does not change the glycine at codon 740. This nucleotide position is well conserved in available vertebrate species. In silico splice site analysis predicts that this alteration may weaken the native splice donor site. Since supporting evidence is limited at this time, the clinical significance of this alteration remains unclear.

PreventionGenetics, part of Exact Sciences
Classification: Likely benign for CACNA1C-related condition. Last evaluated: 2019-05-06. Review status: no assertion criteria provided. Collection method: clinical testing. Allele origin: germline. Not counted in ClinVar's aggregate classification.
Comment: This variant is classified as likely benign based on ACMG/AMP sequence variant interpretation guidelines (Richards et al. 2015 PMID: 25741868, with internal and published modifications).

NM_000719.7(CACNA1C):c.2220A>G (p.Gly740=)

Gene: CACNA1C (calcium voltage-gated channel subunit alpha1 C; plus strand). Cytogenetic location: 12p13.33.
Variant type: single nucleotide variant.
Coding change: c.2220A>G on transcript NM_000719.7 (MANE Select); coding-DNA position 2220, A replaced by G.
Protein change: p.Gly740=; no amino-acid change (glycine 740 retained).
Molecular consequence: synonymous variant.
Genome position (GRCh38, 1-based): chr12:2,582,938, A>G. VCF-style: chr12-2582938-A-G. GRCh37 (hg19) VCF-style: chr12-2692104-A-G.
Other names: c.2220A>G, p.Gly740= (NM_001129827.2, NM_001129829.2, NM_001129830.3 and 18 more transcripts); c.2211A>G, p.Gly737= (NM_001129844.2).
Identifiers: ClinVar variation 456952 (VCV000456952.12), dbSNP rs940854113, ClinGen allele CA231585597.
Genomic context (GRCh38, chr12:2,582,938, plus strand): 5'-CGGCCCCTCTTTTCCAGGGATGTTAGTCTGTATTTACTTCATCATCCTCTTCATCTGTGG[A>G]AACTGTATCCTTTGCTGCTGCCCCCCACCCCTGCGGCCCCCAGCCCCCAGCCTGCAGCAC-3'
Protein context (NP_000710.5, residues 730-750): CIYFIILFIC[Gly740=]NYILLNVFLA